The following is an entry in ClinVar:

NM_005591.4(MRE11):c.1967T>C (p.Phe656Ser)

Gene: MRE11 (MRE11 double strand break repair nuclease; minus strand). Cytogenetic location: 11q21.
Variant type: single nucleotide variant.
Coding change: c.1967T>C on transcript NM_005591.4 (MANE Select); coding-DNA position 1967, T replaced by C.
Protein change: p.Phe656Ser; replaces phenylalanine 656 with serine.
Molecular consequence: missense variant.
Genome position (GRCh38, 1-based): chr11:94,435,859, A>G on the plus strand (T>C on the coding strand, the complement: MRE11 is on the minus strand). VCF-style: chr11-94435859-A-G. GRCh37 (hg19) VCF-style: chr11-94169025-A-G.
Other names: c.1964T>C, p.Phe655Ser (NM_001330347.2); c.1883T>C, p.Phe628Ser (NM_005590.4); short protein forms F656S, F628S, F655S.
Identifiers: ClinVar variation 485822 (VCV000485822.10), dbSNP rs1555002052, ClinGen allele CA382374073.
Genomic context (GRCh38, chr11:94,435,859, plus strand): 5'-GATGTTTCTTTTGCAGAAAATCACTGCACCTACCTTTGATCTGTCTTTGAAGTGGTAGGA[A>G]AAATGTCTTCTTCCACATCTGATTCATCTACCTCAATCACCTGGCAAGGAAACAAAGCAA-3'
Protein context (NP_005582.1, residues 646-666): VDESDVEEDI[Phe656Ser]PTTSKTDQRW

ClinVar aggregate classification (germline): Uncertain significance. Review status: criteria provided, multiple submitters, no conflicts (2 of 4 stars). 2 submissions from 2 submitters: Uncertain significance (2). Last evaluated 2021-08-24.

Conditions:
Ataxia-telangiectasia-like disorder (ATLD). Identifiers: MedGen C1858391, MONDO:0011457.
Hereditary cancer-predisposing syndrome. Also called: Tumor predisposition; Hereditary Cancer Syndrome; Hereditary neoplastic syndrome; Neoplastic Syndromes, Hereditary. Identifiers: Orphanet 140162, MedGen C0027672, MeSH D009386, MONDO:0015356.

Submissions (2):

Labcorp Genetics (formerly Invitae), Labcorp
Classification: Uncertain significance for Ataxia-telangiectasia-like disorder. Last evaluated: 2021-08-24. Review status: criteria provided, single submitter. Criteria: Invitae Variant Classification Sherloc (09022015). Collection method: clinical testing. Allele origin: germline.
Comment: This sequence change replaces phenylalanine with serine at codon 656 of the MRE11 protein (p.Phe656Ser). The phenylalanine residue is moderately conserved and there is a large physicochemical difference between phenylalanine and serine. This variant is not present in population databases (ExAC no frequency). This variant has not been reported in the literature in individuals affected with MRE11-related conditions. ClinVar contains an entry for this variant (Variation ID: 485822). Algorithms developed to predict the effect of missense changes on protein structure and function (SIFT, PolyPhen-2, Align-GVGD) all suggest that this variant is likely to be tolerated. In summary, the available evidence is currently insufficient to determine the role of this variant in disease. Therefore, it has been classified as a Variant of Uncertain Significance.

Ambry Genetics
Classification: Uncertain significance for Hereditary cancer-predisposing syndrome. Last evaluated: 2017-08-08. Review status: criteria provided, single submitter. Criteria: Ambry Variant Classification Scheme 2023. Collection method: clinical testing. Allele origin: germline.
Comment: The p.F656S variant (also known as c.1967T>C), located in coding exon 17 of the MRE11A gene, results from a T to C substitution at nucleotide position 1967. The phenylalanine at codon 656 is replaced by serine, an amino acid with highly dissimilar properties. This amino acid position is well conserved in available vertebrate species. In addition, this alteration is predicted to be tolerated by in silico analysis. Since supporting evidence is limited at this time, the clinical significance of this alteration remains unclear.